The following is an entry in ClinVar:

NM_001379610.1(SPINK1):c.30T>A (p.Ser10Arg)

Gene: SPINK1 (serine peptidase inhibitor Kazal type 1; minus strand). Cytogenetic location: 5q32.
Variant type: single nucleotide variant.
Coding change: c.30T>A on transcript NM_001379610.1 (MANE Select); coding-DNA position 30, T replaced by A.
Protein change: p.Ser10Arg; replaces serine 10 with arginine.
Molecular consequence: missense variant.
Genome position (GRCh38, 1-based): chr5:147,831,548, A>T on the plus strand (T>A on the coding strand, the complement: SPINK1 is on the minus strand). VCF-style: chr5-147831548-A-T. GRCh37 (hg19) VCF-style: chr5-147211111-A-T.
Other names: c.30T>A, p.Ser10Arg (NM_001354966.2, NM_003122.5); short protein forms S10R.
Identifiers: ClinVar variation 2450394 (VCV002450394.2), dbSNP rs1295223267, ClinGen allele CA361885530.

ClinVar aggregate classification (germline): Uncertain significance (1 of 4 stars; one submission).

Conditions:
Hereditary pancreatitis (PCTT). Also called: Hereditary chronic pancreatitis; PRSS1-Related Hereditary Pancreatitis. Identifiers: Orphanet 676, MedGen C0238339, MONDO:0008185, OMIM 167800.

Submission:

Ambry Genetics
Classification: Uncertain significance for Hereditary pancreatitis. Last evaluated: 2023-01-23. Review status: criteria provided, single submitter. Criteria: Ambry Variant Classification Scheme 2023. Collection method: clinical testing. Allele origin: germline.
Comment: The p.S10R variant (also known as c.30T>A), located in coding exon 1 of the SPINK1 gene, results from a T to A substitution at nucleotide position 30. The serine at codon 10 is replaced by arginine, an amino acid with dissimilar properties. This amino acid position is not well conserved in available vertebrate species. In addition, this alteration is predicted to be tolerated by in silico analysis. Since supporting evidence is limited at this time, the clinical significance of this alteration remains unclear.